The following is an entry in ClinVar:

NM_001130438.3(SPTAN1):c.-34C>G

Genes: SPTAN1 (spectrin alpha, non-erythrocytic 1; plus strand), LOC130002712 (ATAC-STARR-seq lymphoblastoid silent region 20345; plus strand). Cytogenetic location: 9q34.11.
Variant type: single nucleotide variant.
Coding change: c.-34C>G on transcript NM_001130438.3 (MANE Select); 34 bases upstream of the start codon, C replaced by G.
Molecular consequence: 5 prime UTR variant.
Genome position (GRCh38, 1-based): chr9:128,552,666, C>G. VCF-style: chr9-128552666-C-G. GRCh37 (hg19) VCF-style: chr9-131314945-C-G.
Other names: c.-34C>G (NM_001195532.2, NM_001363759.2, NM_001363765.2 and 1 more transcripts).
Identifiers: ClinVar variation 207293 (VCV000207293.1), dbSNP rs796053308, ClinGen allele CA318622.
Genomic context (GRCh38, chr9:128,552,666, plus strand): 5'-TGAACGGTGTGGAGCGGAGGCCGCGGAGGCTCCTCGGTCCTTCAGCACCCCTCGGCCCGA[C>G]GCACCCACGCCCCTCACCCCCCGAGAGCCGGTGAGAGGGGCAGCCGGGGAGCTCCGGGAG-3'

ClinVar aggregate classification (germline): Likely benign (1 of 4 stars; one submission).

Allele frequency attached by ClinVar (database versions not stated): TOPMed 0.00001; gnomAD 0.00002 and 0.00003.
gnomAD v4.1: 4 of 151,714 alleles (0.0026%); highest among the groups gnomAD compares: Admixed American, 0.02%; no homozygotes.

Submission:

GeneDx
Classification: Likely benign. Last evaluated: 2012-09-24. Review status: criteria provided, single submitter. Criteria: GeneDx Variant Classification (06012015). Collection method: clinical testing. Allele origin: germline. Affected: yes.
Comment: This variant is considered likely benign or benign based on one or more of the following criteria: it is a conservative change, it occurs at a poorly conserved position in the protein, it is predicted to be benign by multiple in silico algorithms, and/or has population frequency not consistent with disease.